The following is an entry in ClinVar:

ClinVar aggregate classification (germline): Conflicting classifications of pathogenicity. Review status: criteria provided, conflicting classifications (1 of 4 stars). 6 submissions from 6 submitters: Uncertain significance (5); Benign (1). Last evaluated 2026-04-02.

Conditions:
Cardiovascular phenotype. Identifiers: MedGen CN230736.
Amyloidosis, hereditary systemic 1 (AMYLD1). Also called: Isolated Cardiac Amyloidosis; Amyloid Cardiomyopathy, Transthyretin-related; Familial amyloid polyneuropathy; Transthyretin Amyloidosis; AMYLOID CARDIOMYOPATHY; Hereditary oculoleptomeningeal amyloid angiopathy. Identifiers: Orphanet 85447, Orphanet 85451, MedGen C2751492, MONDO:0971004, OMIM 105210.

Allele frequency attached by ClinVar (database versions not stated): gnomAD exomes 0.00001 and 0.00003; gnomAD 0.00001; ExAC 0.00002; TOPMed 0.00002.
gnomAD v4.1: 45 of 1,614,054 alleles (0.0028%); highest among the groups gnomAD compares: Non-Finnish European, 0.0036%; no homozygotes.

Submissions (6):

Women's Health and Genetics/Laboratory Corporation of America, LabCorp
Classification: Uncertain significance. Last evaluated: 2026-04-02. Review status: criteria provided, single submitter. Criteria: LabCorp Variant Classification Summary - May 2015. Collection method: clinical testing. Allele origin: germline.
Comment: Variant summary: TTR c.337-3T>C alters a conserved nucleotide located close to a canonical splice site and therefore could affect mRNA splicing, leading to a significantly altered protein sequence. Consensus agreement among computation tools predict no significant impact on normal splicing. However, these predictions have yet to be confirmed by functional studies. The variant allele was found at a frequency of 2.8e-05 in 1614054 control chromosomes. This frequency is not significantly higher than estimated for disease-causing variants in TTR, allowing no conclusion about variant significance. c.337-3T>C has been observed in individual(s) affected with features of Transthyretin Amyloidosis, without strong evidence for causality (Skrahina_2021, Bhatt_2024, Trachtenberg_2026). These report(s) do not provide unequivocal conclusions about association of the variant with Transthyretin Amyloidosis. To our knowledge, no experimental evidence demonstrating an impact on protein function has been reported. The following publications have been ascertained in the context of this evaluation (PMID: 34658264, 39575713, 35438637). ClinVar contains an entry for this variant (Variation ID: 229596). Based on the evidence outlined above, the variant was classified as uncertain significance.

Labcorp Genetics (formerly Invitae), Labcorp
Classification: Uncertain significance for Amyloidosis, hereditary systemic 1. Last evaluated: 2025-10-15. Review status: criteria provided, single submitter. Criteria: Invitae Variant Classification Sherloc (09022015). Collection method: clinical testing. Allele origin: germline.
Comment: This sequence change falls in intron 3 of the TTR gene. It does not directly change the encoded amino acid sequence of the TTR protein. It affects a nucleotide within the consensus splice site. This variant is present in population databases (rs774027595, gnomAD 0.003%). This variant has been observed in individual(s) with cardiomyopathy (PMID: 34658264). ClinVar contains an entry for this variant (Variation ID: 229596). Variants that disrupt the consensus splice site are a relatively common cause of aberrant splicing (PMID: 17576681, 9536098). Algorithms developed to predict the effect of sequence changes on RNA splicing suggest that this variant is not likely to affect RNA splicing. In summary, the available evidence is currently insufficient to determine the role of this variant in disease. Therefore, it has been classified as a Variant of Uncertain Significance.

Ambry Genetics
Classification: Uncertain significance for Cardiovascular phenotype. Last evaluated: 2023-03-23. Review status: criteria provided, single submitter. Criteria: Ambry Variant Classification Scheme 2023. Collection method: clinical testing. Allele origin: germline.
Comment: The c.337-3T>C intronic variant results from a T to C substitution 3 nucleotides upstream from coding exon 4 in the TTR gene. This variant has been detected in an individual with cardiomyopathy (Skrahina V et al. Ann Med, 2021 Dec;53:1787-1796). This nucleotide position is not well conserved in available vertebrate species. In silico splice site analysis predicts that this alteration will not have any significant effect on splicing. Since supporting evidence is limited at this time, the clinical significance of this alteration remains unclear.

Stanford Center for Inherited Cardiovascular Disease, Stanford University
Classification: Uncertain significance. Last evaluated: 2017-11-10. Review status: criteria provided, single submitter. Criteria: ACMG Guidelines, 2015. Collection method: provider interpretation. Allele origin: germline.

GeneDx
Classification: Benign. Last evaluated: 2016-02-18. Review status: criteria provided, single submitter. Criteria: GeneDx Variant Classification Process June 2021. Collection method: clinical testing. Allele origin: germline. Affected: yes.

Laboratory for Molecular Medicine, Mass General Brigham Personalized Medicine
Classification: Uncertain significance. Last evaluated: 2016-01-28. Review status: criteria provided, single submitter. Criteria: LMM Criteria. Collection method: clinical testing. Allele origin: germline. Observed: 1 variant allele.
Comment: The c.337-3T>C variant in TTR has not been previously reported in individuals wi th cardiomyopathy, but has been identified in 2/66424 European chromosomes by th e Exome Aggregation Consortium (ExAC; dbSNP rs77 4027595). This variant is located in the 3' splice region. Computational tools d o not suggest an impact to splicing. However, this information is not predictive enough to rule out pathogenicity. In summary, the clinical significance of the c.337-3T>C variant is uncertain.

Literature cited by the submitters: PubMed 34658264 (cited by 3 submitters); PubMed 39575713 (cited by Women's Health and Genetics/Laboratory Corporation of America, LabCorp); PubMed 35438637 (cited by Women's Health and Genetics/Laboratory Corporation of America, LabCorp); PubMed 17576681 (cited by Labcorp Genetics (formerly Invitae), Labcorp); PubMed 9536098 (cited by Labcorp Genetics (formerly Invitae), Labcorp).

NM_000371.4(TTR):c.337-3T>C

Gene: TTR (transthyretin; plus strand). Cytogenetic location: 18q12.1.
Variant type: single nucleotide variant.
Coding change: c.337-3T>C on transcript NM_000371.4 (MANE Select); 3 bases into the intron before coding-DNA position 337, T replaced by C.
Molecular consequence: intron variant.
Genome position (GRCh38, 1-based): chr18:31,598,565, T>C. VCF-style: chr18-31598565-T-C. GRCh37 (hg19) VCF-style: chr18-29178528-T-C.
Identifiers: ClinVar variation 229596 (VCV000229596.21), dbSNP rs774027595, ClinGen allele CA8928496.